The following is an entry in ClinVar:

ClinVar aggregate classification (germline): Likely benign (0 of 4 stars; one submission).

Conditions:
NAGPA-related disorder. Also called: NAGPA-related condition.

Allele frequency attached by ClinVar (database versions not stated): ExAC 0.00003; gnomAD 0.00006; TOPMed 0.00006.
gnomAD v4.1: 142 of 1,613,606 alleles (0.0088%); highest among the groups gnomAD compares: Non-Finnish European, 0.011%; no homozygotes.

Submission:

PreventionGenetics, part of Exact Sciences
Classification: Likely benign for NAGPA-related condition. Last evaluated: 2019-11-18. Review status: no assertion criteria provided. Collection method: clinical testing. Allele origin: germline.
Comment: This variant is classified as likely benign based on ACMG/AMP sequence variant interpretation guidelines (Richards et al. 2015 PMID: 25741868, with internal and published modifications).

NM_016256.4(NAGPA):c.813G>A (p.Ala271=)

Genes: NAGPA (N-acetylglucosamine-1-phosphodiester alpha-N-acetylglucosaminidase; minus strand), LOC126862268 (MED14-independent group 3 enhancer GRCh37_chr16:5078448-5079647; plus strand). Cytogenetic location: 16p13.3.
Variant type: single nucleotide variant.
Coding change: c.813G>A on transcript NM_016256.4 (MANE Select); coding-DNA position 813, G replaced by A.
Protein change: p.Ala271=; no amino-acid change (alanine 271 retained).
Molecular consequence: synonymous variant.
Genome position (GRCh38, 1-based): chr16:5,028,987, C>T on the plus strand (G>A on the coding strand, the complement: NAGPA is on the minus strand). VCF-style: chr16-5028987-C-T. GRCh37 (hg19) VCF-style: chr16-5078988-C-T.
Identifiers: ClinVar variation 3049011 (VCV003049011.2), dbSNP rs781132322, ClinGen allele CA7888693.